The following is an entry in ClinVar:

ClinVar aggregate classification (germline): Pathogenic/Likely pathogenic. Review status: criteria provided, multiple submitters, no conflicts (2 of 4 stars). 7 submissions from 7 submitters: Pathogenic (3); Likely pathogenic (1). 3 of the submissions do not count toward it. Last evaluated 2024-12-05.

Conditions:
Teebi hypertelorism syndrome 1. Identifiers: Orphanet 1519, MedGen CN306405, MONDO:0800025, OMIM 145420.
Teebi hypertelorism syndrome. Identifiers: Orphanet 1519, MedGen C0796179, MONDO:0030639.
SPECC1L-related syndrome.

Submissions (7):

GeneDx
Classification: Pathogenic. Last evaluated: 2024-12-05. Review status: criteria provided, single submitter. Criteria: GeneDx Variant Classification Process June 2021. Collection method: clinical testing. Allele origin: germline. Affected: yes.
Comment: Not observed in large population cohorts (gnomAD); In silico analysis supports that this missense variant has a deleterious effect on protein structure/function; This variant is associated with the following publications: (PMID: 31953237, 30472488)

Clinical Genetics Laboratory, Skane University Hospital Lund
Classification: Likely pathogenic. Last evaluated: 2022-05-27. Review status: criteria provided, single submitter. Criteria: ACMG Guidelines, 2015. Collection method: clinical testing. Allele origin: germline. Affected: yes.

Illumina Laboratory Services, Illumina
Classification: Pathogenic for SPECC1L-related syndrome. Last evaluated: 2020-08-21. Review status: criteria provided, single submitter. Criteria: ICSLVariantClassificationCriteria RUGD 01 April 2020. Collection method: clinical testing. Allele origin: unknown.
Comment: The SPECC1L c.3293G>A (p.Arg1098Gln) variant is a missense variant. The p.Arg1098Gln variant has been reported in one study in which it was identified in a heterozygous state in four individuals from a three generation family and in a heterozygous de novo state in one additional unrelated individual, all affected with SPECC1L-related disorders (Bhoj et al. 2019). The variant is in the calponin-homology domain of the protein, a domain involved in actin-binding. The p.Arg1098Gln variant is not found in the Genome Aggregation Database and is in a region of good sequence coverage, so the variant is presumed to be rare. Pathogenicity of the variant is supported by in silico prediction data. The substitution of arginine for glutamine at this position represents a change in charge. Based on the collective evidence, the p.Arg1098Gln variant is classified as pathogenic for SPECC1L-related syndrome.

Center for Pediatric Genomic Medicine, Children's Mercy Hospital and Clinics
Classification: Pathogenic. Last evaluated: 2017-08-28. Review status: criteria provided, single submitter. Criteria: ACMG Guidelines, 2015. Collection method: clinical testing. Allele origin: de novo.

Molecular Genetics Laboratory, BC Children's and BC Women's Hospitals
Classification: Likely pathogenic for Teebi hypertelorism syndrome 1. Last evaluated: 2025-04-04. Review status: no assertion criteria provided. Criteria: ACMG Guidelines, 2015. Collection method: clinical testing. Allele origin: paternal. Affected: yes. Not counted in ClinVar's aggregate classification.

OMIM
Classification: Pathogenic for TEEBI HYPERTELORISM SYNDROME 1. Last evaluated: 2022-04-06. Review status: no assertion criteria provided. Collection method: literature only. Allele origin: germline. Not counted in ClinVar's aggregate classification.

Dept of Genetics, Assistance Publique-Hôpitaux de Paris (APHP) - R DEBRE University Hospital
Classification: Pathogenic for Teebi hypertelorism syndrome 1. Last evaluated: 2018-06-01. Review status: no assertion criteria provided. Collection method: clinical testing. Allele origin: unknown, maternal, de novo. Affected: yes. Observed: 5 heterozygotes. Segregation with disease observed. Not counted in ClinVar's aggregate classification.

Literature cited by the submitters: PubMed 30472488 (cited by Illumina Laboratory Services, Illumina and OMIM).

NM_015330.6(SPECC1L):c.3293G>A (p.Arg1098Gln)

Genes: SPECC1L (sperm antigen with calponin homology and coiled-coil domains 1 like; plus strand), SPECC1L-ADORA2A (SPECC1L-ADORA2A readthrough (NMD candidate); plus strand). Cytogenetic location: 22q11.23.
Variant type: single nucleotide variant.
Coding change: c.3293G>A on transcript NM_015330.6 (MANE Select); coding-DNA position 3293, G replaced by A.
Protein change: p.Arg1098Gln; replaces arginine 1098 with glutamine.
Molecular consequence: missense variant. On other transcripts: non-coding transcript variant (1).
Genome position (GRCh38, 1-based): chr22:24,414,562, G>A. VCF-style: chr22-24414562-G-A. GRCh37 (hg19) VCF-style: chr22-24810530-G-A.
Other names: c.3293G>A, p.Arg1098Gln (NM_001145468.4); c.3176G>A, p.Arg1059Gln (NM_001254732.3); c.491G>A, p.Arg164Gln (NM_001254733.2); short protein forms R1098Q, R1059Q, R164Q.
Identifiers: ClinVar variation 445948 (VCV000445948.10), dbSNP rs1555874726, ClinGen allele CA410955709.